The following is an entry in ClinVar:

ClinVar aggregate classification (germline): Pathogenic (1 of 4 stars; one submission).

Conditions:
Telangiectasia, hereditary hemorrhagic, type 2 (HHT2). Also called: ACVRL1-Related Hereditary Hemorrhagic Telangiectasia; Telangiectasia, hereditary hemorrhagic, type II. Identifiers: Orphanet 774, MedGen C1838163, MONDO:0010880, OMIM 600376. Disease mechanism: loss of function.

Submission:

Labcorp Genetics (formerly Invitae), Labcorp
Classification: Pathogenic for Telangiectasia, hereditary hemorrhagic, type 2. Last evaluated: 2025-02-15. Review status: criteria provided, single submitter. Criteria: Invitae Variant Classification Sherloc (09022015). Collection method: clinical testing. Allele origin: germline.
Comment: This sequence change affects an acceptor splice site in intron 9 of the ACVRL1 gene. While this variant is not anticipated to result in nonsense mediated decay, it likely alters RNA splicing and results in a disrupted protein product. This variant is not present in population databases (gnomAD no frequency). Disruption of this splice site has been observed in individuals with hereditary hemorrhagic telangiectasia (PMID: 16542389, 18673552; internal data). ClinVar contains an entry for this variant (Variation ID: 1460002). Variants that disrupt the consensus splice site are a relatively common cause of aberrant splicing (PMID: 17576681, 9536098). Algorithms developed to predict the effect of sequence changes on RNA splicing suggest that this variant may disrupt the consensus splice site. For these reasons, this variant has been classified as Pathogenic.

Literature cited by the submitters: PubMed 16542389; PubMed 18673552; PubMed 17576681; PubMed 9536098.

NM_000020.3(ACVRL1):c.1378-2A>G

Gene: ACVRL1 (activin A receptor like type 1; plus strand). Cytogenetic location: 12q13.13.
Variant type: single nucleotide variant.
Coding change: c.1378-2A>G on transcript NM_000020.3 (MANE Select); the canonical splice acceptor site of the intron before coding-DNA position 1378, A replaced by G.
Molecular consequence: splice acceptor variant.
Genome position (GRCh38, 1-based): chr12:51,920,757, A>G. VCF-style: chr12-51920757-A-G. GRCh37 (hg19) VCF-style: chr12-52314541-A-G.
Other names: c.1378-2A>G (NM_001406487.1, NM_001077401.2); c.1066-2A>G (NM_001406491.1, NM_001406492.1); c.1222-2A>G (NM_001406490.1); c.868-2A>G (NM_001406494.1); c.814-2A>G (NM_001406495.1).
Identifiers: ClinVar variation 1460002 (VCV001460002.6), dbSNP rs2139089146, ClinGen allele CA384905210.